The following is an entry in ClinVar:

ClinVar aggregate classification (germline): Pathogenic (0 of 4 stars; one submission).

Conditions:
Retinoblastoma (RB1). Also called: RETINOBLASTOMA, SOMATIC. Identifiers: Orphanet 790, MedGen C0035335, MeSH D012175, MONDO:0008380, OMIM 180200, HP:0009919. Disease mechanism: loss of function. Inheritance: Both sporadic and heritable forms are tested..

Submission:

Clinical Genetics and Genomics Laboratory, Noor Shahriyar Hospital
Classification: Pathogenic for Retinoblastoma. Last evaluated: 2016-12-12. Review status: no assertion criteria provided. Collection method: clinical testing. Allele origin: germline. Affected: yes.
Comment: The NM_000321 c.1343_1344delTT, is a nonsense variant in RB1 which is predicted to result in a premature stop codon at position 462, and likely results in an absent or disrupted protein product (PVS1).

Variant c.1343_1344delTT (in RB1 gene) was first seen in persian population with Retinoblastoma (PMID: 27983729)

Literature cited by the submitters: PubMed 27983729.

NM_000321.3(RB1):c.1343_1344del (p.Leu448fs)

Gene: RB1 (RB transcriptional corepressor 1; plus strand). Cytogenetic location: 13q14.2.
Variant type: Deletion.
Coding change: c.1343_1344del on transcript NM_000321.3 (MANE Select); coding-DNA positions 1343 to 1344, 2 bases deleted (TT; older notation c.1343_1344delTT).
Protein change: p.Leu448fs; shifts the reading frame from leucine 448.
Molecular consequence: frameshift variant.
Genome position (GRCh38, 1-based): chr13:48,379,604-48,379,605, TT deleted. VCF-style (leftmost placement, unchanged base first): chr13-48379603-CTT-C. GRCh37 (hg19) VCF-style: chr13-48953739-CTT-C.
Other names: c.1343_1344del, p.Leu448fs (NM_001407165.1, NM_001407166.1); c.1343_1344delTT (NM_000321.3); short protein forms L448fs.
Identifiers: ClinVar variation 3384173 (VCV003384173.1).
Genomic context (GRCh38, chr13:48,379,603, plus strand): 5'-TGTGATTTTCTAAAATAGCAGGCTCTTATTTTTCTTTTTGTTTGTTTGTAGCGATACAAA[CTT>C]GGAGTTCGCTTGTATTACCGAGTAATGGAATCCATGCTTAAATCAGTAAGTTAAAAACAA-3'